The following is an entry in ClinVar:

NM_001277083.2(POTEJ):c.345C>T (p.Val115=)

Gene: POTEJ (POTE ankyrin domain family member J; plus strand). Cytogenetic location: 2q21.1.
Variant type: single nucleotide variant.
Coding change: c.345C>T on transcript NM_001277083.2 (MANE Select); coding-DNA position 345, C replaced by T.
Protein change: p.Val115=; no amino-acid change (valine 115 retained).
Molecular consequence: synonymous variant.
Genome position (GRCh38, 1-based): chr2:130,611,877, C>T. VCF-style: chr2-130611877-C-T. GRCh37 (hg19) VCF-style: chr2-131369450-C-T.
Identifiers: ClinVar variation 4533934 (VCV004533934.6).

ClinVar aggregate classification (germline): Likely benign (1 of 4 stars; one submission).

Submission:

CeGaT Center for Human Genetics Tuebingen
Classification: Likely benign. Last evaluated: 2025-10-01. Review status: criteria provided, single submitter. Criteria: CeGaT Center For Human Genetics Tuebingen Variant Classification Criteria Version 2. Collection method: clinical testing. Allele origin: germline. Affected: yes. Observed: 1 variant allele.
Comment: POTEJ: BP4, BP7